The following is an entry in ClinVar:

NM_001267550.2(TTN):c.93266G>A (p.Arg31089His)

Genes: TTN-AS1 (TTN antisense RNA 1; plus strand), TTN (titin; minus strand). Cytogenetic location: 2q31.2.
Variant type: single nucleotide variant.
Coding change: c.93266G>A on transcript NM_001267550.2 (MANE Select); coding-DNA position 93266, G replaced by A.
Protein change: p.Arg31089His; replaces arginine 31089 with histidine.
Molecular consequence: missense variant.
Genome position (GRCh38, 1-based): chr2:178,548,360, C>T on the plus strand (G>A on the coding strand, the complement: TTN is on the minus strand). VCF-style: chr2-178548360-C-T. GRCh37 (hg19) VCF-style: chr2-179413087-C-T.
Other names: p.R29448H:CGT>CAT; c.88343G>A, p.Arg29448His (NM_001256850.1); c.66071G>A, p.Arg22024His (NM_003319.4); c.85562G>A, p.Arg28521His (NM_133378.4); c.66446G>A, p.Arg22149His (NM_133432.3); c.66647G>A, p.Arg22216His (NM_133437.4); short protein forms R29448H, R31089H, R22024H, R22149H, R28521H, R22216H.
Identifiers: ClinVar variation 202993 (VCV000202993.7), dbSNP rs367993101, ClinGen allele CA310917.

ClinVar aggregate classification (germline): Uncertain significance. Review status: criteria provided, multiple submitters, no conflicts (2 of 4 stars). 3 submissions from 3 submitters: Uncertain significance (3). Last evaluated 2026-06-06.

Conditions:
TTN-related disorder. Also called: TTN-related condition; TTN-related disease; TTN-related disorders.
Cardiovascular phenotype. Identifiers: MedGen CN230736.

Allele frequency attached by ClinVar (database versions not stated): gnomAD 0.00002 and 0.00004; gnomAD exomes 0.00002 and 0.00003; TOPMed 0.00002; ExAC 0.00004; ESP Exome Variant Server 0.00008.
gnomAD v4.1: 29 of 1,613,684 alleles (0.0018%); highest among the groups gnomAD compares: South Asian, 0.018%; no homozygotes.

Submissions (3):

PreventionGenetics, part of Exact Sciences
Classification: Uncertain significance for TTN-related condition. Last evaluated: 2026-06-06. Review status: criteria provided, single submitter. Criteria: ACMG Guidelines, 2015. Collection method: clinical testing. Allele origin: germline.
Comment: The TTN c.93266G>A variant is predicted to result in the amino acid substitution p.Arg31089His. To our knowledge, this variant has not been reported in the literature. This variant is reported in 0.0098% of alleles in individuals of South Asian descent in gnomAD. At this time, the clinical significance of this variant is uncertain due to the absence of conclusive functional and genetic evidence.

Ambry Genetics
Classification: Uncertain significance for Cardiovascular phenotype. Last evaluated: 2016-07-19. Review status: criteria provided, single submitter. Criteria: Ambry Variant Classification Scheme 2023. Collection method: clinical testing. Allele origin: germline.
Comment: The p.R22024H variant (also known as c.66071G>A), located in coding exon 166 of the TTN gene, results from a G to A substitution at nucleotide position 66071. This alteration is located in the A-band region of the N2-B isoform of the titin protein. The arginine at codon 22024 is replaced by histidine, an amino acid with highly similar properties. This variant was previously reported in the SNPDatabase as rs367993101. Based on data from ExAC, the A allele has an overall frequency of less than 0.01% (5/105568). Based on data from the NHLBI Exome Sequencing Project (ESP), the A allele has an overall frequency of approximately 0.01% (1/12462) total alleles studied and 0.01% (1/8382) European American alleles. This amino acid position is highly conserved in available vertebrate species. In addition, the in silico prediction for this alteration is inconclusive. Since supporting evidence is limited at this time, the clinical significance of this alteration remains unclear.

GeneDx
Classification: Uncertain significance. Last evaluated: 2014-11-17. Review status: criteria provided, single submitter. Criteria: GeneDx Variant Classification (06012015). Collection method: clinical testing. Allele origin: germline. Affected: yes.
Comment: Missense variants in the TTN gene are considered 'unclassified' if they are not previously reported in the literature and do not have >1% frequency in the population to be considered a polymorphism. Research indicates that truncating mutations in the TTN gene are expected to account for approximately 25% of familial and 18% of sporadic idiopathic DCM; however, truncating variants in the TTN gene have been reported in approximately 3% of reported control alleles. There has been little investigation into non-truncating variants. (Herman D et al. Truncations of titin causing dilated cardiomyopathy. N Eng J Med 366:619-628, 2012) The variant is found in CARDIOMYOPATHY panel(s).